The following is an entry in ClinVar:

NM_020693.4(DSCAML1):c.2508G>T (p.Arg836=)

Gene: DSCAML1 (DS cell adhesion molecule like 1; minus strand). Cytogenetic location: 11q23.3.
Variant type: single nucleotide variant.
Coding change: c.2508G>T on transcript NM_020693.4 (MANE Select); coding-DNA position 2508, G replaced by T.
Protein change: p.Arg836=; no amino-acid change (arginine 836 retained).
Molecular consequence: synonymous variant.
Genome position (GRCh38, 1-based): chr11:117,482,014, C>A on the plus strand (G>T on the coding strand, the complement: DSCAML1 is on the minus strand). VCF-style: chr11-117482014-C-A. GRCh37 (hg19) VCF-style: chr11-117352729-C-A.
Other names: c.2508G>T, p.Arg836= (NM_001367904.1); c.2688G>T (NM_020693.3).
Identifiers: ClinVar variation 1547334 (VCV001547334.10), dbSNP rs140172597, ClinGen allele CA6296989.
Genomic context (GRCh38, chr11:117,482,014, plus strand): 5'-GGTGCTCACCTTCAGTGTGGAGACGACCTCGTCGCCGTTGTCCTTGGTGGCGATGGCATA[C>A]CGCATGACGCGGTCAGGGTCGATGACTGTGTCCCCCTTCTCCCAGCGGATGATGATGGGC-3'
Protein context (NP_065744.3, residues 826-846): DTVIDPDRVM[Arg836=]YAIATKDNGD

ClinVar aggregate classification (germline): Likely benign. Review status: criteria provided, single submitter (1 of 4 stars). 2 submissions from 2 submitters: Likely benign (1). 1 of the submissions does not count toward it. Last evaluated 2026-01-12.

Conditions:
DSCAML1-related disorder. Also called: DSCAML1-related condition.

Allele frequency attached by ClinVar (database versions not stated): 1000 Genomes Project 30x 0.00031; ESP Exome Variant Server 0.00062; gnomAD 0.00063.
gnomAD v4.1: 361 of 1,614,180 alleles (0.022%); highest among the groups gnomAD compares: African/African-American, 0.14%; 1 homozygote.

Submissions (2):

Labcorp Genetics (formerly Invitae), Labcorp
Classification: Likely benign. Last evaluated: 2026-01-12. Review status: criteria provided, single submitter. Criteria: Invitae Variant Classification Sherloc (09022015). Collection method: clinical testing. Allele origin: germline.

PreventionGenetics, part of Exact Sciences
Classification: Likely benign for DSCAML1-related condition. Last evaluated: 2019-07-16. Review status: no assertion criteria provided. Collection method: clinical testing. Allele origin: germline. Not counted in ClinVar's aggregate classification.
Comment: This variant is classified as likely benign based on ACMG/AMP sequence variant interpretation guidelines (Richards et al. 2015 PMID: 25741868, with internal and published modifications).